The following is an entry in ClinVar:

ClinVar aggregate classification (germline): Uncertain significance (1 of 4 stars; one submission).

Allele frequency attached by ClinVar (database versions not stated): TOPMed 0.00002; gnomAD exomes 0.00001; gnomAD 0.00001.
gnomAD v4.1: 24 of 1,613,688 alleles (0.0015%); highest among the groups gnomAD compares: Non-Finnish European, 0.0019%; no homozygotes.

Submission:

Labcorp Genetics (formerly Invitae), Labcorp
Classification: Uncertain significance. Last evaluated: 2025-09-02. Review status: criteria provided, single submitter. Criteria: Invitae Variant Classification Sherloc (09022015). Collection method: clinical testing. Allele origin: germline.
Comment: This sequence change replaces glycine, which is neutral and non-polar, with arginine, which is basic and polar, at codon 505 of the SLC44A4 protein (p.Gly505Arg). This variant is present in population databases (no rsID available, gnomAD 0.002%). This variant has not been reported in the literature in individuals affected with SLC44A4-related conditions. ClinVar contains an entry for this variant (Variation ID: 1488217). Invitae Evidence Modeling of protein sequence and biophysical properties (such as structural, functional, and spatial information, amino acid conservation, physicochemical variation, residue mobility, and thermodynamic stability) indicates that this missense variant is expected to disrupt SLC44A4 protein function with a positive predictive value of 80%. Algorithms developed to predict the effect of sequence changes on RNA splicing suggest that this variant may disrupt the consensus splice site. In summary, the available evidence is currently insufficient to determine the role of this variant in disease. Therefore, it has been classified as a Variant of Uncertain Significance.

NM_025257.3(SLC44A4):c.1513G>A (p.Gly505Arg)

Gene: SLC44A4 (solute carrier family 44 member 4; minus strand). Cytogenetic location: 6p21.33.
Variant type: single nucleotide variant.
Coding change: c.1513G>A on transcript NM_025257.3 (MANE Select); coding-DNA position 1513, G replaced by A.
Protein change: p.Gly505Arg; replaces glycine 505 with arginine.
Molecular consequence: missense variant.
Genome position (GRCh38, 1-based): chr6:31,865,759, C>T on the plus strand (G>A on the coding strand, the complement: SLC44A4 is on the minus strand). VCF-style: chr6-31865759-C-T. GRCh37 (hg19) VCF-style: chr6-31833536-C-T.
Other names: c.1387G>A, p.Gly463Arg (NM_001178044.2); c.1285G>A, p.Gly429Arg (NM_001178045.2); short protein forms G463R, G429R, G505R.
Identifiers: ClinVar variation 1488217 (VCV001488217.6), dbSNP rs1030088624, ClinGen allele CA136930300.